The following is an entry in ClinVar:

ClinVar aggregate classification (germline): Uncertain significance (1 of 4 stars; one submission).

gnomAD v4.1: 2 of 1,613,570 alleles (0.00012%); highest among the groups gnomAD compares: Admixed American, 0.0017%; no homozygotes.

Submission:

Ambry Genetics
Classification: Uncertain significance. Last evaluated: 2025-10-09. Review status: criteria provided, single submitter. Criteria: Ambry Variant Classification Scheme 2023. Collection method: clinical testing. Allele origin: germline.
Comment: The p.T475I variant (also known as c.1424C>T), located in coding exon 1 of the MLH3 gene, results from a C to T substitution at nucleotide position 1424. The threonine at codon 475 is replaced by isoleucine, an amino acid with similar properties. This amino acid position is conserved. In addition, this alteration is predicted to be tolerated by in silico analysis. Based on the available evidence, the clinical significance of this variant remains unclear.

NM_001040108.2(MLH3):c.1424C>T (p.Thr475Ile)

Gene: MLH3 (mutL homolog 3; minus strand). Cytogenetic location: 14q24.3.
Variant type: single nucleotide variant.
Coding change: c.1424C>T on transcript NM_001040108.2 (MANE Select); coding-DNA position 1424, C replaced by T.
Protein change: p.Thr475Ile; replaces threonine 475 with isoleucine.
Molecular consequence: missense variant.
Genome position (GRCh38, 1-based): chr14:75,048,232, G>A on the plus strand (C>T on the coding strand, the complement: MLH3 is on the minus strand). VCF-style: chr14-75048232-G-A. GRCh37 (hg19) VCF-style: chr14-75514935-G-A.
Other names: c.1424C>T, p.Thr475Ile (NM_014381.3); short protein forms T475I.
Identifiers: ClinVar variation 4552084 (VCV004552084.1).